The following is an entry in ClinVar:

ClinVar aggregate classification (germline): Uncertain significance. Review status: criteria provided, single submitter (1 of 4 stars). 2 submissions from 2 submitters: Uncertain significance (1). 1 of the submissions does not count toward it. Last evaluated 2022-04-09.

Submissions (2):

Labcorp Genetics (formerly Invitae), Labcorp
Classification: Uncertain significance. Last evaluated: 2022-04-09. Review status: criteria provided, single submitter. Criteria: Invitae Variant Classification Sherloc (09022015). Collection method: clinical testing. Allele origin: germline.
Comment: This sequence change replaces valine, which is neutral and non-polar, with methionine, which is neutral and non-polar, at codon 235 of the BEST1 protein (p.Val235Met). This variant is not present in population databases (gnomAD no frequency). This missense change has been observed in individual(s) with Best disease (PMID: 9700209). ClinVar contains an entry for this variant (Variation ID: 99744). Advanced modeling of protein sequence and biophysical properties (such as structural, functional, and spatial information, amino acid conservation, physicochemical variation, residue mobility, and thermodynamic stability) performed at Invitae indicates that this missense variant is expected to disrupt BEST1 protein function. This variant disrupts the p.Val235 amino acid residue in BEST1. Other variant(s) that disrupt this residue have been observed in individuals with BEST1-related conditions (PMID: 11241846, 31570112), which suggests that this may be a clinically significant amino acid residue. In summary, the available evidence is currently insufficient to determine the role of this variant in disease. Therefore, it has been classified as a Variant of Uncertain Significance.

Retina International
No classification provided. Review status: no classification provided. Collection method: not provided. Allele origin: not provided. Not counted in ClinVar's aggregate classification.

Literature cited by the submitters: PubMed 9700209 (cited by Labcorp Genetics (formerly Invitae), Labcorp); PubMed 11241846 (cited by Labcorp Genetics (formerly Invitae), Labcorp); PubMed 31570112 (cited by Labcorp Genetics (formerly Invitae), Labcorp).

NM_004183.4(BEST1):c.703G>A (p.Val235Met)

Gene: BEST1 (bestrophin 1; plus strand). Cytogenetic location: 11q12.3.
Variant type: single nucleotide variant.
Coding change: c.703G>A on transcript NM_004183.4 (MANE Select); coding-DNA position 703, G replaced by A.
Protein change: p.Val235Met; replaces valine 235 with methionine.
Molecular consequence: missense variant. On other transcripts: non-coding transcript variant (1).
Genome position (GRCh38, 1-based): chr11:61,957,453, G>A. VCF-style: chr11-61957453-G-A. GRCh37 (hg19) VCF-style: chr11-61724925-G-A.
Other names: c.523G>A, p.Val175Met (NM_001139443.3, NM_001300786.2, NM_001300787.2); c.385G>A, p.Val129Met (NM_001363591.3); c.703G>A, p.Val235Met (NM_001363592.2); c.-473G>A (NM_001363593.3); short protein forms V235M, V129M, V175M.
Identifiers: ClinVar variation 99744 (VCV000099744.5), dbSNP rs281865245, ClinGen allele CA227808.
Genomic context (GRCh38, chr11:61,957,453, plus strand): 5'-AACACCTTGCGTACTCAGTGTGGACACCTGTATGCCTACGACTGGATTAGTATCCCACTG[G>A]TGTATACACAGGTGAGGACTAGGCTGGTGAGGCTGCCCTTTTGGGAAACTGAGGCTAGAA-3'
Protein context (NP_004174.1, residues 225-245): YAYDWISIPL[Val235Met]YTQVVTVAVY